The following is an entry in ClinVar:

ClinVar aggregate classification (germline): Conflicting classifications of pathogenicity. Review status: criteria provided, conflicting classifications (1 of 4 stars). 3 submissions from 3 submitters: Likely pathogenic (1); Uncertain significance (2). Last evaluated 2026-02-19.

Conditions:
Spinocerebellar ataxia type 19/22 (SCA19). Also called: SPINOCEREBELLAR ATAXIA 19; SPINOCEREBELLAR ATAXIA 22. Identifiers: Orphanet 98772, MedGen C1846367, MONDO:0011819, OMIM 607346.
Brugada syndrome 9 (BRGDA9). Identifiers: Orphanet 130, MedGen C4225340, MONDO:0014621, OMIM 616399.

Submissions (3):

Institute of Human Genetics, Heidelberg University
Classification: Likely pathogenic for Brugada syndrome 9; Spinocerebellar ataxia type 19/22. Last evaluated: 2026-02-19. Review status: criteria provided, single submitter. Criteria: ACMG Guidelines, 2015. Collection method: clinical testing. Allele origin: de novo. Affected: yes. Observed: 1 variant allele.
Comment: PM2_supp, PM1_mod, PM2_supp, PP3_s

GeneDx
Classification: Uncertain significance. Last evaluated: 2024-12-27. Review status: criteria provided, single submitter. Criteria: GeneDx Variant Classification Process June 2021. Collection method: clinical testing. Allele origin: germline. Affected: yes.
Comment: Not observed at significant frequency in large population cohorts (gnomAD); In silico analysis supports that this missense variant has a deleterious effect on protein structure/function; Has not been previously published as pathogenic or benign to our knowledge

Athena Diagnostics
Classification: Uncertain significance. Last evaluated: 2018-01-16. Review status: criteria provided, single submitter. Criteria: Athena Diagnostics Criteria. Collection method: clinical testing. Allele origin: germline.

NM_001378969.1(KCND3):c.1027G>A (p.Glu343Lys)

Gene: KCND3 (potassium voltage-gated channel subfamily D member 3; minus strand). Cytogenetic location: 1p13.2.
Variant type: single nucleotide variant.
Coding change: c.1027G>A on transcript NM_001378969.1 (MANE Select); coding-DNA position 1027, G replaced by A.
Protein change: p.Glu343Lys; replaces glutamic acid 343 with lysine.
Molecular consequence: missense variant.
Genome position (GRCh38, 1-based): chr1:111,981,700, C>T on the plus strand (G>A on the coding strand, the complement: KCND3 is on the minus strand). VCF-style: chr1-111981700-C-T. GRCh37 (hg19) VCF-style: chr1-112524322-C-T.
Other names: c.1027G>A, p.Glu343Lys (NM_001378970.1, NM_004980.5, NM_172198.3); short protein forms E343K.
Identifiers: ClinVar variation 586062 (VCV000586062.3), dbSNP rs1557767012, ClinGen allele CA341820714.
Genomic context (GRCh38, chr1:111,981,700, plus strand): 5'-CAATGGTGTACCAAAACGAGGCAGGGATGCTTGTGAACTTGCTGGCCGAGGAGCCCTTCT[C>T]GGCATAAAACATCACAGTGGCAAAGATGATGATGGCCATGGTGAGGGAGAAGAGAAGAAA-3'
Protein context (NP_001365898.1, residues 333-353): IIFATVMFYA[Glu343Lys]KGSSASKFTS